The following is an entry in ClinVar:

ClinVar aggregate classification (germline): Uncertain significance. Review status: criteria provided, multiple submitters, no conflicts (2 of 4 stars). 2 submissions from 2 submitters: Uncertain significance (2). Last evaluated 2021-08-27.

Allele frequency attached by ClinVar (database versions not stated): gnomAD exomes below 0.00001 and 0.00001; gnomAD 0.00001 and 0.00002; TOPMed 0.00002.
gnomAD v4.1: 15 of 1,613,968 alleles (0.00093%); highest among the groups gnomAD compares: Non-Finnish European, 0.0012%; no homozygotes.

Submissions (2):

Labcorp Genetics (formerly Invitae), Labcorp
Classification: Uncertain significance. Last evaluated: 2021-08-27. Review status: criteria provided, single submitter. Criteria: Invitae Variant Classification Sherloc (09022015). Collection method: clinical testing. Allele origin: germline.
Comment: This sequence change replaces asparagine with serine at codon 106 of the RLBP1 protein (p.Asn106Ser). The asparagine residue is weakly conserved and there is a small physicochemical difference between asparagine and serine. This variant is not present in population databases (ExAC no frequency). This variant has not been reported in the literature in individuals affected with RLBP1-related conditions. Algorithms developed to predict the effect of missense changes on protein structure and function (SIFT, PolyPhen-2, Align-GVGD) all suggest that this variant is likely to be tolerated. In summary, the available evidence is currently insufficient to determine the role of this variant in disease. Therefore, it has been classified as a Variant of Uncertain Significance.

Blueprint Genetics
Classification: Uncertain significance. Last evaluated: 2019-10-16. Review status: criteria provided, single submitter. Criteria: ACMG Guidelines, 2015. Collection method: clinical testing. Allele origin: germline.

NM_000326.5(RLBP1):c.317A>G (p.Asn106Ser)

Gene: RLBP1 (retinaldehyde binding protein 1; minus strand). Cytogenetic location: 15q26.1.
Variant type: single nucleotide variant.
Coding change: c.317A>G on transcript NM_000326.5 (MANE Select); coding-DNA position 317, A replaced by G.
Protein change: p.Asn106Ser; replaces asparagine 106 with serine.
Molecular consequence: missense variant.
Genome position (GRCh38, 1-based): chr15:89,217,149, T>C on the plus strand (A>G on the coding strand, the complement: RLBP1 is on the minus strand). VCF-style: chr15-89217149-T-C. GRCh37 (hg19) VCF-style: chr15-89760380-T-C.
Other names: short protein forms N106S.
Identifiers: ClinVar variation 968154 (VCV000968154.8), dbSNP rs905070285, ClinGen allele CA274535421.